The following is an entry in ClinVar:

NM_003289.4(TPM2):c.-4A>G

Gene: TPM2 (tropomyosin 2; minus strand). Cytogenetic location: 9p13.3.
Variant type: single nucleotide variant.
Coding change: c.-4A>G on transcript NM_003289.4 (MANE Select); 4 bases upstream of the start codon, A replaced by G.
Molecular consequence: 5 prime UTR variant.
Genome position (GRCh38, 1-based): chr9:35,689,821, T>C on the plus strand (A>G on the coding strand, the complement: TPM2 is on the minus strand). VCF-style: chr9-35689821-T-C. GRCh37 (hg19) VCF-style: chr9-35689818-T-C.
Other names: c.-4A>G (NM_001301226.2, NM_001301227.2, NM_213674.1).
Identifiers: ClinVar variation 387655 (VCV000387655.1), dbSNP rs1057522860, ClinGen allele CA16605704.

ClinVar aggregate classification (germline): Likely benign (1 of 4 stars; one submission).

Allele frequency attached by ClinVar (database versions not stated): gnomAD exomes below 0.00001; TOPMed below 0.00001.
gnomAD v4.1: 1 of 1,613,236 alleles (0.000062%); highest among the groups gnomAD compares: Non-Finnish European, 0.000085%; no homozygotes.

Submission:

GeneDx
Classification: Likely benign. Last evaluated: 2016-08-02. Review status: criteria provided, single submitter. Criteria: GeneDx Variant Classification (06012015). Collection method: clinical testing. Allele origin: germline. Affected: yes.
Comment: This variant is considered likely benign or benign based on one or more of the following criteria: it is a conservative change, it occurs at a poorly conserved position in the protein, it is predicted to be benign by multiple in silico algorithms, and/or has population frequency not consistent with disease.